The following is an entry in ClinVar:

ClinVar aggregate classification (germline): Benign. Review status: criteria provided, multiple submitters, no conflicts (2 of 4 stars). 3 submissions from 3 submitters: Benign (3). Last evaluated 2025-05-05.

Conditions:
FLG-related disorder. Also called: FLG-related disorders; FLG-related condition.

Allele frequency attached by ClinVar (database versions not stated): 1000 Genomes Project 30x 0.01530; 1000 Genomes Project 0.01558; gnomAD exomes 0.00322; ExAC 0.00395; gnomAD 0.01265 and 0.01342; TOPMed 0.01298; ESP Exome Variant Server 0.01369.
gnomAD v4.1: 3,784 of 1,592,410 alleles (0.24%); highest among the groups gnomAD compares: African/African-American, 4.3%; 40 homozygotes.

Submissions (3):

PreventionGenetics, part of Exact Sciences
Classification: Benign for FLG-related condition. Last evaluated: 2025-05-05. Review status: criteria provided, single submitter. Criteria: ACMG Guidelines, 2015. Collection method: clinical testing. Allele origin: germline.
Comment: This variant is classified as benign based on ACMG/AMP sequence variant interpretation guidelines (Richards et al. 2015 PMID: 25741868, with internal and published modifications).

GeneDx
Classification: Benign. Last evaluated: 2021-04-08. Review status: criteria provided, single submitter. Criteria: GeneDx Variant Classification Process June 2021. Collection method: clinical testing. Allele origin: germline. Affected: yes.

Breakthrough Genomics
Classification: Benign. Review status: criteria provided, single submitter. Criteria: ACMG Guidelines, 2015. Collection method: not provided. Allele origin: germline. Inheritance: Autosomal dominant inheritance. Affected: yes.

NM_002016.2(FLG):c.2539T>A (p.Ser847Thr)

Genes: CCDST (cervical cancer associated DHX9 suppressive transcript; plus strand), FLG (filaggrin; minus strand). Cytogenetic location: 1q21.3.
Variant type: single nucleotide variant.
Coding change: c.2539T>A on transcript NM_002016.2 (MANE Select); coding-DNA position 2539, T replaced by A.
Protein change: p.Ser847Thr; replaces serine 847 with threonine.
Molecular consequence: missense variant.
Genome position (GRCh38, 1-based): chr1:152,312,347, A>T on the plus strand (T>A on the coding strand, the complement: FLG is on the minus strand). VCF-style: chr1-152312347-A-T. GRCh37 (hg19) VCF-style: chr1-152284823-A-T.
Other names: short protein forms S847T.
Identifiers: ClinVar variation 1264247 (VCV001264247.4), dbSNP rs74129459, ClinGen allele CA1107120.